The following is an entry in ClinVar:

NM_176869.3(PPA2):c.263A>G (p.Tyr88Cys)

Gene: PPA2 (inorganic pyrophosphatase 2; minus strand). Cytogenetic location: 4q24.
Variant type: single nucleotide variant.
Coding change: c.263A>G on transcript NM_176869.3 (MANE Select); coding-DNA position 263, A replaced by G.
Protein change: p.Tyr88Cys; replaces tyrosine 88 with cysteine.
Molecular consequence: missense variant. On other transcripts: intron variant (2).
Genome position (GRCh38, 1-based): chr4:105,453,602, T>C on the plus strand (A>G on the coding strand, the complement: PPA2 is on the minus strand). VCF-style: chr4-105453602-T-C. GRCh37 (hg19) VCF-style: chr4-106374759-T-C.
Other names: c.263A>G, p.Tyr88Cys (NM_006903.4); c.157+20292A>G (NM_176867.3); c.222+3079A>G (NM_176866.2); short protein forms Y88C.
Identifiers: ClinVar variation 1364594 (VCV001364594.8), dbSNP rs758553541, ClinGen allele CA3032631.
Genomic context (GRCh38, chr4:105,453,602, plus strand): 5'-GGTATTTAACAGACAATATAAAAGTGATTCACAAAAATAAAAACCTTTGGATATACCTCA[T>C]ATTCATCATTTCGTGCTTTCTTCATAGGAATGCCATTTTCCTATAAAAGAAAAGATGGTG-3'
Protein context (NP_789845.1, residues 78-98): IPMKKARNDE[Tyr88Cys]ENLFNMIVEI

ClinVar aggregate classification (germline): Uncertain significance (1 of 4 stars; one submission).

Allele frequency attached by ClinVar (database versions not stated): gnomAD exomes 0.00001 and 0.00002; TOPMed 0.00001; ExAC 0.00002; gnomAD 0.00003 and 0.00004.
gnomAD v4.1: 32 of 1,604,192 alleles (0.002%); highest among the groups gnomAD compares: Non-Finnish European, 0.0026%; no homozygotes.

Submissions (2):

Labcorp Genetics (formerly Invitae), Labcorp
Classification: Uncertain significance. Last evaluated: 2026-01-19. Review status: criteria provided, single submitter. Criteria: Invitae Variant Classification Sherloc (09022015). Collection method: clinical testing. Allele origin: germline.
Comment: This sequence change replaces tyrosine, which is neutral and polar, with cysteine, which is neutral and slightly polar, at codon 88 of the PPA2 protein (p.Tyr88Cys). This variant is present in population databases (rs758553541, gnomAD 0.002%). This variant has not been reported in the literature in individuals affected with PPA2-related conditions. ClinVar contains an entry for this variant (Variation ID: 1364594). Invitae Evidence Modeling of protein sequence and biophysical properties (such as structural, functional, and spatial information, amino acid conservation, physicochemical variation, residue mobility, and thermodynamic stability) indicates that this missense variant is not expected to disrupt PPA2 protein function with a negative predictive value of 95%. In summary, the available evidence is currently insufficient to determine the role of this variant in disease. Therefore, it has been classified as a Variant of Uncertain Significance.

Dr. Peter K. Rogan Lab, Western University
No classification provided (evidence only). Condition: Ovarian serous cystadenocarcinoma. Review status: no classification provided. Collection method: in vitro. Allele origin: not applicable. Functional consequence: retained intron. Not counted in ClinVar's aggregate classification.